The following is an entry in ClinVar:

ClinVar aggregate classification (germline): Uncertain significance (1 of 4 stars; one submission).

Conditions:
Hearing impairment. Also called: Impaired Hearing. Identifiers: MedGen C1384666, MONDO:0005365, HP:0000365.

Submission:

Department of Otolaryngology – Head & Neck Surgery, Cochlear Implant Center
Classification: Uncertain significance for Hearing impairment. Last evaluated: 2021-04-12. Review status: criteria provided, single submitter. Criteria: ClinGen HL ACMG Specifications v1. Collection method: clinical testing. Allele origin: germline. Affected: yes.
Comment: PM2_Moderate, PP3_Supporting

NM_004999.4(MYO6):c.3518T>C (p.Ile1173Thr)

Gene: MYO6 (myosin VI; plus strand). Cytogenetic location: 6q14.1.
Variant type: single nucleotide variant.
Coding change: c.3518T>C on transcript NM_004999.4 (MANE Select); coding-DNA position 3518, T replaced by C.
Protein change: p.Ile1173Thr; replaces isoleucine 1173 with threonine.
Molecular consequence: missense variant. On other transcripts: non-coding transcript variant (1).
Genome position (GRCh38, 1-based): chr6:75,914,141, T>C. VCF-style: chr6-75914141-T-C. GRCh37 (hg19) VCF-style: chr6-76623858-T-C.
Other names: c.3449T>C, p.Ile1150Thr (NM_001300899.2); c.3422T>C, p.Ile1141Thr (NM_001368136.1); c.3479T>C, p.Ile1160Thr (NM_001368137.1); c.3434T>C, p.Ile1145Thr (NM_001368138.1); c.3545T>C, p.Ile1182Thr (NM_001368865.1); c.3518T>C, p.Ile1173Thr (NM_001368866.1); short protein forms I1141T, I1145T, I1150T, I1160T, I1173T, I1182T.
Identifiers: ClinVar variation 1064956 (VCV001064956.3), dbSNP rs2149433527, ClinGen allele CA364761553.